The following is an entry in ClinVar:

NM_032119.4(ADGRV1):c.17356A>G (p.Met5786Val)

Gene: ADGRV1 (adhesion G protein-coupled receptor V1; plus strand). Cytogenetic location: 5q14.3.
Variant type: single nucleotide variant.
Coding change: c.17356A>G on transcript NM_032119.4 (MANE Select); coding-DNA position 17356, A replaced by G.
Protein change: p.Met5786Val; replaces methionine 5786 with valine.
Molecular consequence: missense variant. On other transcripts: non-coding transcript variant (1).
Genome position (GRCh38, 1-based): chr5:90,853,435, A>G. VCF-style: chr5-90853435-A-G. GRCh37 (hg19) VCF-style: chr5-90149252-A-G.
Other names: short protein forms M5786V.
Identifiers: ClinVar variation 1351840 (VCV001351840.6), dbSNP rs1766723189, ClinGen allele CA360430176.

ClinVar aggregate classification (germline): Uncertain significance (1 of 4 stars; one submission).

Submission:

Labcorp Genetics (formerly Invitae), Labcorp
Classification: Uncertain significance. Last evaluated: 2025-09-02. Review status: criteria provided, single submitter. Criteria: Invitae Variant Classification Sherloc (09022015). Collection method: clinical testing. Allele origin: germline.
Comment: This sequence change replaces methionine, which is neutral and non-polar, with valine, which is neutral and non-polar, at codon 5786 of the ADGRV1 protein (p.Met5786Val). This variant is not present in population databases (gnomAD no frequency). This variant has not been reported in the literature in individuals affected with ADGRV1-related conditions. ClinVar contains an entry for this variant (Variation ID: 1351840). An algorithm developed to predict the effect of missense changes on protein structure and function outputs the following: PolyPhen-2: "Benign". The valine amino acid residue is found in multiple mammalian species, which suggests that this missense change does not adversely affect protein function. In summary, the available evidence is currently insufficient to determine the role of this variant in disease. Therefore, it has been classified as a Variant of Uncertain Significance.